The following is an entry in ClinVar:

NM_004526.4(MCM2):c.277G>A (p.Glu93Lys)

Gene: MCM2 (minichromosome maintenance complex component 2; plus strand). Cytogenetic location: 3q21.3.
Variant type: single nucleotide variant.
Coding change: c.277G>A on transcript NM_004526.4 (MANE Select); coding-DNA position 277, G replaced by A.
Protein change: p.Glu93Lys; replaces glutamic acid 93 with lysine.
Molecular consequence: missense variant. On other transcripts: non-coding transcript variant (1).
Genome position (GRCh38, 1-based): chr3:127,604,648, G>A. VCF-style: chr3-127604648-G-A. GRCh37 (hg19) VCF-style: chr3-127323491-G-A.
Other names: short protein forms E93K.
Identifiers: ClinVar variation 1032224 (VCV001032224.1), dbSNP rs199660068, ClinGen allele CA2595522.

ClinVar aggregate classification (germline): Uncertain significance (1 of 4 stars; one submission).

Conditions:
Autosomal dominant nonsyndromic hearing loss 70. Also called: Deafness, autosomal dominant 70. Identifiers: Orphanet 90635, MedGen C4310775, MONDO:0014853, OMIM 616968.

Allele frequency attached by ClinVar (database versions not stated): gnomAD exomes below 0.00001; ExAC 0.00001; TOPMed 0.00001; 1000 Genomes Project 30x 0.00031; 1000 Genomes Project 0.00040.
gnomAD v4.1: 10 of 1,613,286 alleles (0.00062%); highest among the groups gnomAD compares: African/African-American, 0.0053%; no homozygotes.

Submission:

Baylor Genetics
Classification: Uncertain significance for Autosomal dominant nonsyndromic hearing loss 70. Last evaluated: 2018-11-08. Review status: criteria provided, single submitter. Criteria: ACMG Guidelines, 2015. Collection method: clinical testing. Allele origin: paternal. Affected: yes.
Comment: This variant was determined to be of uncertain significance according to ACMG Guidelines, 2015 [PMID:25741868].